The following is an entry in ClinVar:

ClinVar aggregate classification (germline): Uncertain significance (1 of 4 stars; one submission).

gnomAD v4.1: 2 of 1,381,086 alleles (0.00014%); highest among the groups gnomAD compares: African/African-American, 0.0015%; no homozygotes.

Submission:

Labcorp Genetics (formerly Invitae), Labcorp
Classification: Uncertain significance. Last evaluated: 2023-06-04. Review status: criteria provided, single submitter. Criteria: Invitae Variant Classification Sherloc (09022015). Collection method: clinical testing. Allele origin: germline.
Comment: In summary, the available evidence is currently insufficient to determine the role of this variant in disease. Therefore, it has been classified as a Variant of Uncertain Significance. Experimental studies and prediction algorithms are not available or were not evaluated, and the functional significance of this variant is currently unknown. This variant has not been reported in the literature in individuals affected with RASA2-related conditions. This variant is not present in population databases (gnomAD no frequency). This sequence change replaces alanine, which is neutral and non-polar, with glycine, which is neutral and non-polar, at codon 5 of the RASA2 protein (p.Ala5Gly).

NM_006506.5(RASA2):c.14C>G (p.Ala5Gly)

Genes: RASA2 (RAS p21 protein activator 2; plus strand), LOC129937686 (ATAC-STARR-seq lymphoblastoid silent region 14777; plus strand). Cytogenetic location: 3q23.
Variant type: single nucleotide variant.
Coding change: c.14C>G on transcript NM_006506.5 (MANE Select); coding-DNA position 14, C replaced by G.
Protein change: p.Ala5Gly; replaces alanine 5 with glycine.
Molecular consequence: missense variant.
Genome position (GRCh38, 1-based): chr3:141,487,097, C>G. VCF-style: chr3-141487097-C-G. GRCh37 (hg19) VCF-style: chr3-141205939-C-G.
Other names: c.14C>G, p.Ala5Gly (NM_001303245.3, NM_001303246.3); short protein forms A5G.
Identifiers: ClinVar variation 2722034 (VCV002722034.3), dbSNP rs1394181436, ClinGen allele CA354773444.